The following is an entry in ClinVar:

ClinVar aggregate classification (germline): Likely benign (0 of 4 stars; one submission).

Conditions:
CIC-related disorder. Also called: CIC-related condition.

Allele frequency attached by ClinVar (database versions not stated): TOPMed 0.00002; gnomAD 0.00003; gnomAD exomes 0.00006.
gnomAD v4.1: 88 of 1,611,124 alleles (0.0055%); highest among the groups gnomAD compares: East Asian, 0.0089%; no homozygotes.

Submission:

PreventionGenetics, part of Exact Sciences
Classification: Likely benign for CIC-related condition. Last evaluated: 2019-09-05. Review status: no assertion criteria provided. Collection method: clinical testing. Allele origin: germline.
Comment: This variant is classified as likely benign based on ACMG/AMP sequence variant interpretation guidelines (Richards et al. 2015 PMID: 25741868, with internal and published modifications).

NM_001386298.1(CIC):c.5970G>A (p.Pro1990=)

Gene: CIC (capicua transcriptional repressor; plus strand). Cytogenetic location: 19q13.2.
Variant type: single nucleotide variant.
Coding change: c.5970G>A on transcript NM_001386298.1 (MANE Select); coding-DNA position 5970, G replaced by A.
Protein change: p.Pro1990=; no amino-acid change (proline 1990 retained).
Molecular consequence: synonymous variant.
Genome position (GRCh38, 1-based): chr19:42,292,633, G>A. VCF-style: chr19-42292633-G-A. GRCh37 (hg19) VCF-style: chr19-42796785-G-A.
Other names: c.5970G>A, p.Pro1990= (NM_001304815.2, NM_001379480.1, NM_001379482.1 and 1 more transcripts); c.3243G>A, p.Pro1081= (NM_001379484.1, NM_001379485.1, NM_015125.5).
Identifiers: ClinVar variation 3052853 (VCV003052853.2), dbSNP rs768415690, ClinGen allele CA9472579.